The following is an entry in ClinVar:

ClinVar aggregate classification (germline): Uncertain significance (1 of 4 stars; one submission).

Conditions:
Inborn genetic diseases. Identifiers: MedGen C0950123, MeSH D030342.

Allele frequency attached by ClinVar (database versions not stated): TOPMed 0.00001.

Submission:

Ambry Genetics
Classification: Uncertain significance for Inborn genetic diseases. Last evaluated: 2024-02-25. Review status: criteria provided, single submitter. Criteria: Ambry Variant Classification Scheme 2023. Collection method: clinical testing. Allele origin: germline.
Comment: The p.S410T variant (also known as c.1228T>A), located in coding exon 11 of the LRRK2 gene, results from a T to A substitution at nucleotide position 1228. The serine at codon 410 is replaced by threonine, an amino acid with similar properties. This amino acid position is conserved. In addition, this alteration is predicted to be tolerated by in silico analysis. Based on the available evidence, the clinical significance of this alteration remains unclear.

NM_198578.4(LRRK2):c.1228T>A (p.Ser410Thr)

Gene: LRRK2 (leucine rich repeat kinase 2; plus strand). Cytogenetic location: 12q12.
Variant type: single nucleotide variant.
Coding change: c.1228T>A on transcript NM_198578.4 (MANE Select); coding-DNA position 1228, T replaced by A.
Protein change: p.Ser410Thr; replaces serine 410 with threonine.
Molecular consequence: missense variant.
Genome position (GRCh38, 1-based): chr12:40,252,956, T>A. VCF-style: chr12-40252956-T-A. GRCh37 (hg19) VCF-style: chr12-40646758-T-A.
Other names: short protein forms S410T.
Identifiers: ClinVar variation 3229506 (VCV003229506.1), dbSNP rs1383482096, ClinGen allele CA384409384.